The following is an entry in ClinVar:

NM_000186.4(CFH):c.2026G>A (p.Gly676Arg)

Gene: CFH (complement factor H; plus strand). Cytogenetic location: 1q31.3.
Variant type: single nucleotide variant.
Coding change: c.2026G>A on transcript NM_000186.4 (MANE Select); coding-DNA position 2026, G replaced by A.
Protein change: p.Gly676Arg; replaces glycine 676 with arginine.
Molecular consequence: missense variant.
Genome position (GRCh38, 1-based): chr1:196,726,622, G>A. VCF-style: chr1-196726622-G-A. GRCh37 (hg19) VCF-style: chr1-196695752-G-A.
Other names: short protein forms G676R.
Identifiers: ClinVar variation 1953272 (VCV001953272.6), dbSNP rs1669145355, ClinGen allele CA343988215.

ClinVar aggregate classification (germline): Uncertain significance. Review status: criteria provided, multiple submitters, no conflicts (2 of 4 stars). 2 submissions from 2 submitters: Uncertain significance (2). Last evaluated 2024-08-23.

Submissions (2):

Blueprint Genetics
Classification: Uncertain significance. Last evaluated: 2024-08-23. Review status: criteria provided, single submitter. Criteria: ACMG Guidelines, 2015. Collection method: clinical testing. Allele origin: germline.

Labcorp Genetics (formerly Invitae), Labcorp
Classification: Uncertain significance. Last evaluated: 2022-03-22. Review status: criteria provided, single submitter. Criteria: Invitae Variant Classification Sherloc (09022015). Collection method: clinical testing. Allele origin: germline.
Comment: In summary, the available evidence is currently insufficient to determine the role of this variant in disease. Therefore, it has been classified as a Variant of Uncertain Significance. Algorithms developed to predict the effect of sequence changes on RNA splicing suggest that this variant may disrupt the consensus splice site. Algorithms developed to predict the effect of missense changes on protein structure and function are either unavailable or do not agree on the potential impact of this missense change (SIFT: "Deleterious"; PolyPhen-2: "Probably Damaging"; Align-GVGD: "Class C0"). This variant has not been reported in the literature in individuals affected with CFH-related conditions. This variant is not present in population databases (gnomAD no frequency). This sequence change replaces glycine, which is neutral and non-polar, with arginine, which is basic and polar, at codon 676 of the CFH protein (p.Gly676Arg).